The following is an entry in ClinVar:

ClinVar aggregate classification (germline): Uncertain significance (1 of 4 stars; one submission).

Conditions:
Developmental and epileptic encephalopathy, 21 (DEE21). Also called: Early infantile epileptic encephalopathy 21. Identifiers: Orphanet 442835, MedGen C4014430, MONDO:0014360, OMIM 615833.

Allele frequency attached by ClinVar (database versions not stated): gnomAD exomes below 0.00001 and 0.00002; ExAC 0.00002; 1000 Genomes Project 30x 0.00016; 1000 Genomes Project 0.00020; TOPMed 0.00003; gnomAD 0.00004 and 0.00005; ESP Exome Variant Server 0.00008.
gnomAD v4.1: 11 of 1,607,336 alleles (0.00068%); highest among the groups gnomAD compares: African/African-American, 0.013%; no homozygotes.

Submission:

Labcorp Genetics (formerly Invitae), Labcorp
Classification: Uncertain significance for Developmental and epileptic encephalopathy, 21. Last evaluated: 2024-10-16. Review status: criteria provided, single submitter. Criteria: Invitae Variant Classification Sherloc (09022015). Collection method: clinical testing. Allele origin: germline.
Comment: This sequence change falls in intron 5 of the NECAP1 gene. It does not directly change the encoded amino acid sequence of the NECAP1 protein. It affects a nucleotide within the consensus splice site. This variant is present in population databases (rs368777299, gnomAD 0.03%). This variant has not been reported in the literature in individuals affected with NECAP1-related conditions. ClinVar contains an entry for this variant (Variation ID: 1351176). Variants that disrupt the consensus splice site are a relatively common cause of aberrant splicing (PMID: 17576681, 9536098). Algorithms developed to predict the effect of sequence changes on RNA splicing suggest that this variant is not likely to affect RNA splicing. In summary, the available evidence is currently insufficient to determine the role of this variant in disease. Therefore, it has been classified as a Variant of Uncertain Significance.

Literature cited by the submitters: PubMed 17576681; PubMed 9536098.

NM_015509.4(NECAP1):c.492+3G>A

Gene: NECAP1 (NECAP endocytosis associated 1; plus strand). Cytogenetic location: 12p13.31.
Variant type: single nucleotide variant.
Coding change: c.492+3G>A on transcript NM_015509.4 (MANE Select); 3 bases into the intron after coding-DNA position 492, G replaced by A.
Molecular consequence: intron variant.
Genome position (GRCh38, 1-based): chr12:8,092,787, G>A. VCF-style: chr12-8092787-G-A. GRCh37 (hg19) VCF-style: chr12-8245383-G-A.
Identifiers: ClinVar variation 1351176 (VCV001351176.5), dbSNP rs368777299, ClinGen allele CA6432279.